The following is an entry in ClinVar:

ClinVar aggregate classification (germline): Pathogenic/Likely pathogenic. Review status: criteria provided, multiple submitters, no conflicts (2 of 4 stars). 3 submissions from 3 submitters: Pathogenic (2); Likely pathogenic (1). Last evaluated 2024-06-27.

Conditions:
Autosomal recessive limb-girdle muscular dystrophy type 2L (LGMDR12). Also called: MUSCULAR DYSTROPHY, LIMB-GIRDLE, AUTOSOMAL RECESSIVE 12; Limb-Girdle Muscular Dystrophy R12 Anoctamin-5-Related (LGMD-R12); Limb-girdle muscular dystrophy, type 2L. Identifiers: Orphanet 206549, MedGen C1969785, MONDO:0012652, OMIM 611307.
Gnathodiaphyseal dysplasia (GDD). Also called: GNATHODIAPHYSEAL SCLEROSIS; OSTEOGENESIS IMPERFECTA WITH UNUSUAL SKELETAL LESIONS. Identifiers: Orphanet 53697, MedGen C1833736, MONDO:0008151, OMIM 166260.

Allele frequency attached by ClinVar (database versions not stated): gnomAD exomes below 0.00001.

Submissions (3):

Revvity Omics, Revvity
Classification: Pathogenic. Last evaluated: 2024-06-27. Review status: criteria provided, single submitter. Criteria: ACMG Guidelines, 2015. Collection method: clinical testing. Allele origin: germline.

Labcorp Genetics (formerly Invitae), Labcorp
Classification: Pathogenic for Autosomal recessive limb-girdle muscular dystrophy type 2L; Gnathodiaphyseal dysplasia. Last evaluated: 2021-12-27. Review status: criteria provided, single submitter. Criteria: Invitae Variant Classification Sherloc (09022015). Collection method: clinical testing. Allele origin: germline.
Comment: For these reasons, this variant has been classified as Pathogenic. ClinVar contains an entry for this variant (Variation ID: 224667). This premature translational stop signal has been observed in individuals with autosomal recessive limb-girdle muscular dystrophy (PMID: 23169617, 27854218). This variant is not present in population databases (gnomAD no frequency). This sequence change creates a premature translational stop signal (p.Glu118Lysfs*23) in the ANO5 gene. It is expected to result in an absent or disrupted protein product. Loss-of-function variants in ANO5 are known to be pathogenic (PMID: 21186264, 23606453, 25891276, 30919934).

Center for Genetic Medicine Research, Children's National Medical Center
Classification: Likely pathogenic for Autosomal recessive limb-girdle muscular dystrophy type 2L. Last evaluated: 2015-12-01. Review status: criteria provided, single submitter. Criteria: Punetha et al. (J Neuromuscul Dis. 2016). Collection method: research. Allele origin: inherited. Affected: yes.

Literature cited by the submitters: PubMed 23169617 (cited by Labcorp Genetics (formerly Invitae), Labcorp); PubMed 27854218 (cited by Labcorp Genetics (formerly Invitae), Labcorp); PubMed 21186264 (cited by Labcorp Genetics (formerly Invitae), Labcorp); PubMed 23606453 (cited by Labcorp Genetics (formerly Invitae), Labcorp); PubMed 25891276 (cited by Labcorp Genetics (formerly Invitae), Labcorp); PubMed 30919934 (cited by Labcorp Genetics (formerly Invitae), Labcorp).

NM_213599.3(ANO5):c.352del (p.Glu118fs)

Gene: ANO5 (anoctamin 5; plus strand). Cytogenetic location: 11p14.3.
Variant type: Deletion.
Coding change: c.352del on transcript NM_213599.3 (MANE Select); coding-DNA position 352, one base deleted (G; older notation c.352delG).
Protein change: p.Glu118fs; shifts the reading frame from glutamic acid 118.
Molecular consequence: frameshift variant.
Genome position (GRCh38, 1-based): chr11:22,226,041, G deleted. VCF-style (leftmost placement, unchanged base first): chr11-22226040-AG-A. GRCh37 (hg19) VCF-style: chr11-22247586-AG-A.
Other names: c.349del, p.Glu117fs (NM_001142649.2); short protein forms E118fs, E117fs.
Identifiers: ClinVar variation 224667 (VCV000224667.11), dbSNP rs878854367, ClinGen allele CA10575978.
Genomic context (GRCh38, chr11:22,226,040, plus strand): 5'-ATAGGAAAGAAGAAAAGAGTTTGAAACTAATCTCAGAAAAACAGGTCTTGAGTTGGAAAT[AG>A]AAGACAAAAGGGTAAATGTAGTTGATAATTTATACAAGCCTCTTTAATTTAAGTGTTGTT-3'